The following is an entry in ClinVar:

NM_002087.4(GRN):c.935C>T (p.Ala312Val)

Gene: GRN (granulin precursor; plus strand). Cytogenetic location: 17q21.31.
Variant type: single nucleotide variant.
Coding change: c.935C>T on transcript NM_002087.4 (MANE Select); coding-DNA position 935, C replaced by T.
Protein change: p.Ala312Val; replaces alanine 312 with valine.
Molecular consequence: missense variant.
Genome position (GRCh38, 1-based): chr17:44,351,551, C>T. VCF-style: chr17-44351551-C-T. GRCh37 (hg19) VCF-style: chr17-42428919-C-T.
Other names: short protein forms A312V.
Identifiers: ClinVar variation 2944000 (VCV002944000.3), dbSNP rs2143340428, ClinGen allele CA399765036.

ClinVar aggregate classification (germline): Uncertain significance (1 of 4 stars; one submission).

Conditions:
GRN-related frontotemporal lobar degeneration with Tdp43 inclusions (FTD2). Also called: DEMENTIA, HEREDITARY DYSPHASIC DISINHIBITION; FRONTOTEMPORAL LOBAR DEGENERATION WITH UBIQUITIN-POSITIVE INCLUSIONS; FTLD-TDP, GRN-RELATED; GRN Frontotemporal Dementia; FRONTOTEMPORAL DEMENTIA WITH TDP43 INCLUSIONS, GRN-RELATED. Identifiers: Orphanet 100070, Orphanet 282, MedGen C1843792, MONDO:0011842, OMIM 607485. Disease mechanism: loss of function.
Neuronal ceroid lipofuscinosis 11. Also called: GRN-Related Neuronal Ceroid-Lipofuscinosis. Identifiers: Orphanet 314629, Orphanet 79262, MedGen C3539123, MONDO:0013866, OMIM 614706.

Submission:

Labcorp Genetics (formerly Invitae), Labcorp
Classification: Uncertain significance for Neuronal ceroid lipofuscinosis 11; GRN-related frontotemporal lobar degeneration with Tdp43 inclusions. Last evaluated: 2023-02-06. Review status: criteria provided, single submitter. Criteria: Invitae Variant Classification Sherloc (09022015). Collection method: clinical testing. Allele origin: germline.
Comment: This variant is not present in population databases (gnomAD no frequency). In summary, the available evidence is currently insufficient to determine the role of this variant in disease. Therefore, it has been classified as a Variant of Uncertain Significance. Algorithms developed to predict the effect of missense changes on protein structure and function are either unavailable or do not agree on the potential impact of this missense change (SIFT: "Deleterious"; PolyPhen-2: "Probably Damaging"; Align-GVGD: "Class C0"). This variant has not been reported in the literature in individuals affected with GRN-related conditions. This sequence change replaces alanine, which is neutral and non-polar, with valine, which is neutral and non-polar, at codon 312 of the GRN protein (p.Ala312Val).